The following is an entry in ClinVar:

ClinVar aggregate classification (germline): Uncertain significance (1 of 4 stars; one submission).

Conditions:
Multiple congenital anomalies-hypotonia-seizures syndrome 1 (MCAHS1). Also called: GLYCOSYLPHOSPHATIDYLINOSITOL BIOSYNTHESIS DEFECT 3; PIGN-CDG; Congenital disorder of glycosylation due to PIGN deficiency. Identifiers: Orphanet 280633, MedGen C3279775, MONDO:0013563, OMIM 614080.

Submission:

Labcorp Genetics (formerly Invitae), Labcorp
Classification: Uncertain significance for Multiple congenital anomalies-hypotonia-seizures syndrome 1. Last evaluated: 2023-10-03. Review status: criteria provided, single submitter. Criteria: Invitae Variant Classification Sherloc (09022015). Collection method: clinical testing. Allele origin: germline.
Comment: This sequence change replaces glutamic acid, which is acidic and polar, with glycine, which is neutral and non-polar, at codon 201 of the PIGN protein (p.Glu201Gly). This variant is not present in population databases (gnomAD no frequency). This variant has not been reported in the literature in individuals affected with PIGN-related conditions. ClinVar contains an entry for this variant (Variation ID: 1010294). Advanced modeling of protein sequence and biophysical properties (such as structural, functional, and spatial information, amino acid conservation, physicochemical variation, residue mobility, and thermodynamic stability) performed at Invitae indicates that this missense variant is not expected to disrupt PIGN protein function. In summary, the available evidence is currently insufficient to determine the role of this variant in disease. Therefore, it has been classified as a Variant of Uncertain Significance.

NM_176787.5(PIGN):c.602A>G (p.Glu201Gly)

Gene: PIGN (phosphatidylinositol glycan anchor biosynthesis class N; minus strand). Cytogenetic location: 18q21.33.
Variant type: single nucleotide variant.
Coding change: c.602A>G on transcript NM_176787.5 (MANE Select); coding-DNA position 602, A replaced by G.
Protein change: p.Glu201Gly; replaces glutamic acid 201 with glycine.
Molecular consequence: missense variant.
Genome position (GRCh38, 1-based): chr18:62,148,286, T>C on the plus strand (A>G on the coding strand, the complement: PIGN is on the minus strand). VCF-style: chr18-62148286-T-C. GRCh37 (hg19) VCF-style: chr18-59815519-T-C.
Other names: c.602A>G, p.Glu201Gly (NM_012327.6); short protein forms E201G.
Identifiers: ClinVar variation 1010294 (VCV001010294.8), dbSNP rs2036409134, ClinGen allele CA402602213.